The following is an entry in ClinVar:

ClinVar aggregate classification (germline): Uncertain significance (1 of 4 stars; one submission).

Conditions:
Disseminated atypical mycobacterial infection. Identifiers: MedGen C0694566.

Submission:

Labcorp Genetics (formerly Invitae), Labcorp
Classification: Uncertain significance for Disseminated atypical mycobacterial infection. Last evaluated: 2025-06-05. Review status: criteria provided, single submitter. Criteria: Invitae Variant Classification Sherloc (09022015). Collection method: clinical testing. Allele origin: germline.
Comment: This sequence change replaces glycine, which is neutral and non-polar, with glutamic acid, which is acidic and polar, at codon 107 of the IFNGR1 protein (p.Gly107Glu). This variant is not present in population databases (gnomAD no frequency). This variant has not been reported in the literature in individuals affected with IFNGR1-related conditions. Invitae Evidence Modeling of protein sequence and biophysical properties (such as structural, functional, and spatial information, amino acid conservation, physicochemical variation, residue mobility, and thermodynamic stability) indicates that this missense variant is not expected to disrupt IFNGR1 protein function with a negative predictive value of 80%. In summary, the available evidence is currently insufficient to determine the role of this variant in disease. Therefore, it has been classified as a Variant of Uncertain Significance.

NM_000416.3(IFNGR1):c.320G>A (p.Gly107Glu)

Gene: IFNGR1 (interferon gamma receptor 1; minus strand). Cytogenetic location: 6q23.3.
Variant type: single nucleotide variant.
Coding change: c.320G>A on transcript NM_000416.3 (MANE Select); coding-DNA position 320, G replaced by A.
Protein change: p.Gly107Glu; replaces glycine 107 with glutamic acid.
Molecular consequence: missense variant.
Genome position (GRCh38, 1-based): chr6:137,206,189, C>T on the plus strand (G>A on the coding strand, the complement: IFNGR1 is on the minus strand). VCF-style: chr6-137206189-C-T. GRCh37 (hg19) VCF-style: chr6-137527326-C-T.
Other names: c.290G>A, p.Gly97Glu (NM_001363526.1); c.197G>A, p.Gly66Glu (NM_001363527.1); short protein forms G107E, G97E, G66E.
Identifiers: ClinVar variation 4743882 (VCV004743882.1).